The following is an entry in ClinVar:

ClinVar aggregate classification (germline): Uncertain significance. Review status: criteria provided, multiple submitters, no conflicts (2 of 4 stars). 2 submissions from 2 submitters: Uncertain significance (2). Last evaluated 2026-04-14.

Conditions:
Primary ciliary dyskinesia. Also called: Ciliary dyskinesia. Identifiers: Orphanet 244, MedGen C0008780, MONDO:0016575, HP:0012265.
RPGR-related disorder. Also called: RPGR-related condition.

Submissions (2):

PreventionGenetics, part of Exact Sciences
Classification: Uncertain significance for RPGR-related condition. Last evaluated: 2026-04-14. Review status: criteria provided, single submitter. Criteria: ACMG Guidelines, 2015. Collection method: clinical testing. Allele origin: germline.
Comment: The RPGR c.2815_2862del48 variant is predicted to result in an in-frame deletion (p.Gly939_Glu954del). To our knowledge, this variant has not been reported in the literature. This variant is reported in 0.13% of alleles in individuals of African descent in gnomAD; however, the quality of this data is questionable and should be treated with caution.Although we suspect that this variant may be benign, at this time, the clinical significance of this variant is uncertain due to the absence of conclusive functional and genetic evidence.

Labcorp Genetics (formerly Invitae), Labcorp
Classification: Uncertain significance for Primary ciliary dyskinesia. Last evaluated: 2025-07-31. Review status: criteria provided, single submitter. Criteria: Invitae Variant Classification Sherloc (09022015). Collection method: clinical testing. Allele origin: germline.
Comment: This variant, c.2815_2862del, results in the deletion of 16 amino acid(s) of the RPGR (ORF15) protein (p.Gly939_Glu954del), but otherwise preserves the integrity of the reading frame. The frequency data for this variant in the population databases is considered unreliable, as metrics indicate poor data quality at this position in the gnomAD database. This variant has not been reported in the literature in individuals affected with RPGR (ORF15)-related conditions. ClinVar contains an entry for this variant (Variation ID: 1380925). Experimental studies and prediction algorithms are not available or were not evaluated, and the functional significance of this variant is currently unknown. In summary, the available evidence is currently insufficient to determine the role of this variant in disease. Therefore, it has been classified as a Variant of Uncertain Significance.

NM_001034853.2(RPGR):c.2815_2862del (p.Gly939_Glu954del)

Gene: RPGR (retinitis pigmentosa GTPase regulator; minus strand). Cytogenetic location: Xp11.4.
Variant type: Deletion.
Coding change: c.2815_2862del on transcript NM_001034853.2 (MANE Select); coding-DNA positions 2815 to 2862, 48 bases deleted.
Protein change: p.Gly939_Glu954del.
Molecular consequence: inframe deletion. On other transcripts: intron variant (8).
Genome position (GRCh38, 1-based): chrX:38,286,137-38,286,184, 48 bases deleted; deleting any 48 consecutive bases within chrX:38,286,137-38,286,217 gives the same sequence; the c. name uses the placement nearest the transcript's 3' end. GRCh37 (hg19): chrX:38,145,423-38,145,470.
Other names: c.1569+4775_1569+4822del (NM_001367249.1, NM_001367250.1); c.1902+910_1902+957del (NM_001367245.1); c.1386+4775_1386+4822del (NM_001367251.1); c.1719+910_1719+957del (NM_001367246.1); c.1572+4775_1572+4822del (NM_001367247.1); c.1905+910_1905+957del (NM_000328.3); c.1602+4775_1602+4822del (NM_001367248.1); c.2815_2862del48 (NM_001034853.1).
Identifiers: ClinVar variation 1380925 (VCV001380925.7), dbSNP rs1569236115, ClinGen allele CA640957150.
Genomic context (GRCh38, chrX:38,286,136, plus strand): 5'-CCCCTTCCCCTTCTCCTTCCTCTTCCCCCTCCCCTTCTCCTTCCTCCTCTTCCCCCTCCC[ATTCTCCTTCCTCCTCTTCCCCCTCCCCTTCTCCATCCTCCCCTTCCCC>A]TTCTCCTTCCTCCTCTTCCCCCTCCCCTTCTCCTTCCTCTCCTTCCTCCTCCCCTTTCCC-3'